The following is an entry in ClinVar:

ClinVar aggregate classification (germline): Conflicting classifications of pathogenicity. Review status: criteria provided, conflicting classifications (1 of 4 stars). 2 submissions from 2 submitters: Uncertain significance (1); Likely benign (1). Last evaluated 2025-08-17.

Conditions:
Cardiovascular phenotype. Identifiers: MedGen CN230736.
Legius syndrome. Identifiers: Orphanet 137605, MedGen C1969623, MONDO:0012669, OMIM 611431. Disease mechanism: loss of function.

Allele frequency attached by ClinVar (database versions not stated): gnomAD exomes 0.00001; TOPMed 0.00001.
gnomAD v4.1: 3 of 1,613,646 alleles (0.00019%); highest among the groups gnomAD compares: Admixed American, 0.005%; no homozygotes.

Submissions (2):

Labcorp Genetics (formerly Invitae), Labcorp
Classification: Likely benign for Legius syndrome. Last evaluated: 2025-08-17. Review status: criteria provided, single submitter. Criteria: Invitae Variant Classification Sherloc (09022015). Collection method: clinical testing. Allele origin: germline.

Ambry Genetics
Classification: Uncertain significance for Cardiovascular phenotype. Last evaluated: 2021-04-29. Review status: criteria provided, single submitter. Criteria: Ambry Variant Classification Scheme 2023. Collection method: clinical testing. Allele origin: germline.
Comment: The c.208-6T>C intronic alteration consists of a T to C substitution 6 nucleotides before coding exon 3 in the SPRED1 gene. Based on insufficient or conflicting evidence, the clinical significance of this alteration remains unclear.

NM_152594.3(SPRED1):c.208-6T>C

Gene: SPRED1 (sprouty related EVH1 domain containing 1; plus strand). Cytogenetic location: 15q14.
Variant type: single nucleotide variant.
Coding change: c.208-6T>C on transcript NM_152594.3 (MANE Select); 6 bases into the intron before coding-DNA position 208, T replaced by C.
Molecular consequence: intron variant.
Genome position (GRCh38, 1-based): chr15:38,322,235, T>C. VCF-style: chr15-38322235-T-C. GRCh37 (hg19) VCF-style: chr15-38614436-T-C.
Identifiers: ClinVar variation 536696 (VCV000536696.11), dbSNP rs1241478218, ClinGen allele CA617561328.
Genomic context (GRCh38, chr15:38,322,235, plus strand): 5'-ATTTATGAGCTACATTAGATGCATTTGATATATGTATATTAATTTTTGGTATTTGGCTTT[T>C]GTCAGGTGGTTTTGGAATGTATGCTTAAAAAAGACCTCATTTATAATAAGGTCACTCCAA-3'